The following is an entry in ClinVar:

NM_006231.4(POLE):c.5044C>T (p.His1682Tyr)

Gene: POLE (DNA polymerase epsilon, catalytic subunit; minus strand). Cytogenetic location: 12q24.33.
Variant type: single nucleotide variant.
Coding change: c.5044C>T on transcript NM_006231.4 (MANE Select); coding-DNA position 5044, C replaced by T.
Protein change: p.His1682Tyr; replaces histidine 1682 with tyrosine.
Molecular consequence: missense variant.
Genome position (GRCh38, 1-based): chr12:132,642,306, G>A on the plus strand (C>T on the coding strand, the complement: POLE is on the minus strand). VCF-style: chr12-132642306-G-A. GRCh37 (hg19) VCF-style: chr12-133218892-G-A.
Other names: c.5044C>T (NM_006231.2); short protein forms H1682Y.
Identifiers: ClinVar variation 582825 (VCV000582825.10), dbSNP rs774930613, ClinGen allele CA6892636.
Genomic context (GRCh38, chr12:132,642,306, plus strand): 5'-TGTCATCAGCCTCCTTTCCACCCAGGTCAGGGCGGGCTGTAGGGGACAGCCAGAGCAGGT[G>A]GTTGTGGCGCTGGAGGTGGCGGGCAAAGAAGAGGTCGGAGCCGAATGTGGAGATGTCCTC-3'
Protein context (NP_006222.2, residues 1672-1692): FFARHLQRHN[His1682Tyr]LLWLSPTARP

ClinVar aggregate classification (germline): Uncertain significance. Review status: criteria provided, multiple submitters, no conflicts (2 of 4 stars). 2 submissions from 2 submitters: Uncertain significance (2). Last evaluated 2024-12-29.

Conditions:
Hereditary cancer-predisposing syndrome. Also called: Neoplastic Syndromes, Hereditary; Hereditary Cancer Syndrome; Tumor predisposition; Hereditary neoplastic syndrome. Identifiers: Orphanet 140162, MedGen C0027672, MeSH D009386, MONDO:0015356.

Allele frequency attached by ClinVar (database versions not stated): gnomAD exomes below 0.00001; ExAC 0.00001; gnomAD 0.00001; TOPMed 0.00001.
gnomAD v4.1: 3 of 1,602,906 alleles (0.00019%); highest among the groups gnomAD compares: African/African-American, 0.0013%; no homozygotes.

Submissions (2):

Ambry Genetics
Classification: Uncertain significance for Hereditary cancer-predisposing syndrome. Last evaluated: 2024-12-29. Review status: criteria provided, single submitter. Criteria: Ambry Variant Classification Scheme 2023. Collection method: clinical testing. Allele origin: germline.
Comment: The p.H1682Y variant (also known as c.5044C>T), located in coding exon 38 of the POLE gene, results from a C to T substitution at nucleotide position 5044. The histidine at codon 1682 is replaced by tyrosine, an amino acid with similar properties. This amino acid position is highly conserved in available vertebrate species. In addition, the in silico prediction for this alteration is inconclusive. Based on the available evidence, the clinical significance of this variant remains unclear.

Labcorp Genetics (formerly Invitae), Labcorp
Classification: Uncertain significance. Last evaluated: 2024-11-26. Review status: criteria provided, single submitter. Criteria: Invitae Variant Classification Sherloc (09022015). Collection method: clinical testing. Allele origin: germline.
Comment: This sequence change replaces histidine, which is basic and polar, with tyrosine, which is neutral and polar, at codon 1682 of the POLE protein (p.His1682Tyr). The frequency data for this variant in the population databases is considered unreliable, as metrics indicate poor data quality at this position in the gnomAD database. This variant has not been reported in the literature in individuals affected with POLE-related conditions. ClinVar contains an entry for this variant (Variation ID: 582825). Invitae Evidence Modeling of protein sequence and biophysical properties (such as structural, functional, and spatial information, amino acid conservation, physicochemical variation, residue mobility, and thermodynamic stability) indicates that this missense variant is not expected to disrupt POLE protein function with a negative predictive value of 80%. In summary, the available evidence is currently insufficient to determine the role of this variant in disease. Therefore, it has been classified as a Variant of Uncertain Significance.